The following is an entry in ClinVar:

ClinVar aggregate classification (germline): Uncertain significance (1 of 4 stars; one submission).

Conditions:
Immunodeficiency, common variable, 10. Also called: IMMUNODEFICIENCY, COMMON VARIABLE, WITH CENTRAL ADRENAL INSUFFICIENCY; DEFICIT IN ANTERIOR PITUITARY FUNCTION AND VARIABLE IMMUNODEFICIENCY. Identifiers: MedGen C3809991, MONDO:0014260, OMIM 615577.

gnomAD v4.1: 2 of 1,612,786 alleles (0.00012%); highest among the groups gnomAD compares: East Asian, 0.0022%; no homozygotes.

Submission:

Labcorp Genetics (formerly Invitae), Labcorp
Classification: Uncertain significance for Immunodeficiency, common variable, 10. Last evaluated: 2022-11-01. Review status: criteria provided, single submitter. Criteria: Invitae Variant Classification Sherloc (09022015). Collection method: clinical testing. Allele origin: germline.
Comment: This sequence change replaces arginine, which is basic and polar, with cysteine, which is neutral and slightly polar, at codon 579 of the NFKB2 protein (p.Arg579Cys). This variant is present in population databases (no rsID available, gnomAD 0.006%). This variant has not been reported in the literature in individuals affected with NFKB2-related conditions. ClinVar contains an entry for this variant (Variation ID: 851339). Algorithms developed to predict the effect of missense changes on protein structure and function output the following: SIFT: "Deleterious"; PolyPhen-2: "Benign"; Align-GVGD: "Class C0". The cysteine amino acid residue is found in multiple mammalian species, which suggests that this missense change does not adversely affect protein function. In summary, the available evidence is currently insufficient to determine the role of this variant in disease. Therefore, it has been classified as a Variant of Uncertain Significance.

NM_001322934.2(NFKB2):c.1735C>T (p.Arg579Cys)

Gene: NFKB2 (nuclear factor kappa B subunit 2; plus strand). Cytogenetic location: 10q24.32.
Variant type: single nucleotide variant.
Coding change: c.1735C>T on transcript NM_001322934.2 (MANE Select); coding-DNA position 1735, C replaced by T.
Protein change: p.Arg579Cys; replaces arginine 579 with cysteine.
Molecular consequence: missense variant.
Genome position (GRCh38, 1-based): chr10:102,400,428, C>T. VCF-style: chr10-102400428-C-T. GRCh37 (hg19) VCF-style: chr10-104160185-C-T.
Other names: c.1735C>T, p.Arg579Cys (NM_001077494.3, NM_001261403.3, NM_001288724.1 and 1 more transcripts); c.1609C>T, p.Arg537Cys (NM_001322935.1); short protein forms R579C, R537C.
Identifiers: ClinVar variation 851339 (VCV000851339.9), dbSNP rs763966838, ClinGen allele CA377902085.